The following is an entry in ClinVar:

ClinVar aggregate classification (germline): Uncertain significance (1 of 4 stars; one submission).

gnomAD v4.1: 1 of 1,605,998 alleles (0.000062%); highest among the groups gnomAD compares: Non-Finnish European, 0.000085%; no homozygotes.

Submission:

Ambry Genetics
Classification: Uncertain significance. Last evaluated: 2025-02-21. Review status: criteria provided, single submitter. Criteria: Ambry Variant Classification Scheme 2023. Collection method: clinical testing. Allele origin: germline.
Comment: The c.1056-5G>C intronic variant results from a G to C substitution 5 nucleotides upstream from coding exon 8 in the ATRIP gene. This nucleotide position is poorly conserved in available vertebrate species. In silico splice site analysis predicts that this alteration will not have any significant effect on splicing. The evidence for this gene-disease relationship is limited; therefore, the clinical significance of this alteration is unclear.

NM_130384.3(ATRIP):c.1056-5G>C

Genes: ATRIP (ATR interacting protein; plus strand), ATRIP-TREX1 (ATRIP-TREX1 readthrough; plus strand). Cytogenetic location: 3p21.31.
Variant type: single nucleotide variant.
Coding change: c.1056-5G>C on transcript NM_130384.3 (MANE Select); 5 bases into the intron before coding-DNA position 1056, G replaced by C.
Molecular consequence: intron variant.
Genome position (GRCh38, 1-based): chr3:48,460,105, G>C. VCF-style: chr3-48460105-G-C. GRCh37 (hg19) VCF-style: chr3-48501504-G-C.
Other names: c.1056-5G>C (NM_032166.4); c.675-5G>C (NM_001271022.2); c.777-5G>C (NM_001271023.2).
Identifiers: ClinVar variation 3810588 (VCV003810588.1).